The following is an entry in ClinVar:

NM_015450.3(POT1):c.1367A>G (p.Glu456Gly)

Gene: POT1 (protection of telomeres 1; minus strand). Cytogenetic location: 7q31.33.
Variant type: single nucleotide variant.
Coding change: c.1367A>G on transcript NM_015450.3 (MANE Select); coding-DNA position 1367, A replaced by G.
Protein change: p.Glu456Gly; replaces glutamic acid 456 with glycine.
Molecular consequence: missense variant. On other transcripts: non-coding transcript variant (3).
Genome position (GRCh38, 1-based): chr7:124,840,975, T>C on the plus strand (A>G on the coding strand, the complement: POT1 is on the minus strand). VCF-style: chr7-124840975-T-C. GRCh37 (hg19) VCF-style: chr7-124481029-T-C.
Other names: c.974A>G, p.Glu325Gly (NM_001042594.2); short protein forms E456G, E325G.
Identifiers: ClinVar variation 1352591 (VCV001352591.8), dbSNP rs771226403, ClinGen allele CA369066573.

ClinVar aggregate classification (germline): Uncertain significance (1 of 4 stars; one submission).

Conditions:
Tumor predisposition syndrome 3 (TPDS3). Also called: Melanoma, cutaneous malignant, susceptibility to, 10; Glioma susceptibility 9; LONG TELOMERE SYNDROME, POT1-RELATED; POT1 Tumor Predisposition. Identifiers: Orphanet 618, MedGen C4014476, MONDO:0014368, OMIM 615848.

Submission:

Labcorp Genetics (formerly Invitae), Labcorp
Classification: Uncertain significance for Tumor predisposition syndrome 3. Last evaluated: 2021-05-09. Review status: criteria provided, single submitter. Criteria: Invitae Variant Classification Sherloc (09022015). Collection method: clinical testing. Allele origin: germline.
Comment: Algorithms developed to predict the effect of missense changes on protein structure and function are either unavailable or do not agree on the potential impact of this missense change (SIFT: "Deleterious"; PolyPhen-2: "Probably Damaging"; Align-GVGD: "Class C0"). In summary, the available evidence is currently insufficient to determine the role of this variant in disease. Therefore, it has been classified as a Variant of Uncertain Significance. This variant has not been reported in the literature in individuals with POT1-related conditions. This sequence change replaces glutamic acid with glycine at codon 456 of the POT1 protein (p.Glu456Gly). The glutamic acid residue is highly conserved and there is a moderate physicochemical difference between glutamic acid and glycine. This variant is not present in population databases (ExAC no frequency).